The following is an entry in ClinVar:

NM_018238.4(AGK):c.1004T>C (p.Ile335Thr)

Gene: AGK (acylglycerol kinase; plus strand). Cytogenetic location: 7q34.
Variant type: single nucleotide variant.
Coding change: c.1004T>C on transcript NM_018238.4 (MANE Select); coding-DNA position 1004, T replaced by C.
Protein change: p.Ile335Thr; replaces isoleucine 335 with threonine.
Molecular consequence: missense variant.
Genome position (GRCh38, 1-based): chr7:141,649,291, T>C. VCF-style: chr7-141649291-T-C. GRCh37 (hg19) VCF-style: chr7-141349091-T-C.
Other names: p.Ile335Thr; c.1004T>C, p.Ile335Thr (NM_001364948.3); short protein forms I335T.
Identifiers: ClinVar variation 4024050 (VCV004024050.2).

ClinVar aggregate classification (germline): Uncertain significance. Review status: criteria provided, multiple submitters, no conflicts (2 of 4 stars). 2 submissions from 2 submitters: Uncertain significance (2). Last evaluated 2025-08-02.

Conditions:
Inborn genetic diseases. Identifiers: MedGen C0950123, MeSH D030342.

gnomAD v4.1: 5 of 1,613,676 alleles (0.00031%); highest among the groups gnomAD compares: African/African-American, 0.0067%; no homozygotes.

Submissions (2):

Mayo Clinic Laboratories, Mayo Clinic
Classification: Uncertain significance. Last evaluated: 2025-08-02. Review status: criteria provided, single submitter. Criteria: ACMG Guidelines, 2015. Collection method: clinical testing. Allele origin: germline. Observed: 1 variant allele.
Comment: BP4_moderate

Ambry Genetics
Classification: Uncertain significance for Inborn genetic diseases. Last evaluated: 2025-05-28. Review status: criteria provided, single submitter. Criteria: Ambry Variant Classification Scheme 2023. Collection method: clinical testing. Allele origin: germline.